The following is an entry in ClinVar:

NM_000383.4(AIRE):c.866C>T (p.Pro289Leu)

Gene: AIRE (autoimmune regulator; plus strand). Cytogenetic location: 21q22.3.
Variant type: single nucleotide variant.
Coding change: c.866C>T on transcript NM_000383.4 (MANE Select); coding-DNA position 866, C replaced by T.
Protein change: p.Pro289Leu; replaces proline 289 with leucine.
Molecular consequence: missense variant.
Genome position (GRCh38, 1-based): chr21:44,290,055, C>T. VCF-style: chr21-44290055-C-T. GRCh37 (hg19) VCF-style: chr21-45709938-C-T.
Other names: short protein forms P289L.
Identifiers: ClinVar variation 5000821 (VCV005000821.1).

ClinVar aggregate classification (germline): Uncertain significance (1 of 4 stars; one submission).

Conditions:
AIRE-related disorder. Also called: AIRE-related condition.

gnomAD v4.1: 3 of 1,612,062 alleles (0.00019%); highest among the groups gnomAD compares: African/African-American, 0.0027%; no homozygotes.

Submission:

PreventionGenetics, part of Exact Sciences
Classification: Uncertain significance for AIRE-related condition. Last evaluated: 2025-03-01. Review status: criteria provided, single submitter. Criteria: ACMG Guidelines, 2015. Collection method: clinical testing. Allele origin: germline.
Comment: The AIRE c.866C>T variant is predicted to result in the amino acid substitution p.Pro289Leu. To our knowledge, this variant has not been reported in the literature. This variant is reported in 0.0064% of alleles in individuals of African descent in gnomAD. At this time, the clinical significance of this variant is uncertain due to the absence of conclusive functional and genetic evidence.